The following is an entry in ClinVar:

NM_032043.3(BRIP1):c.71C>T (p.Ser24Leu)

Gene: BRIP1 (BRCA1 interacting DNA helicase 1; minus strand). Cytogenetic location: 17q23.2.
Variant type: single nucleotide variant.
Coding change: c.71C>T on transcript NM_032043.3 (MANE Select); coding-DNA position 71, C replaced by T.
Protein change: p.Ser24Leu; replaces serine 24 with leucine.
Molecular consequence: missense variant.
Genome position (GRCh38, 1-based): chr17:61,861,469, G>A on the plus strand (C>T on the coding strand, the complement: BRIP1 is on the minus strand). VCF-style: chr17-61861469-G-A. GRCh37 (hg19) VCF-style: chr17-59938830-G-A.
Other names: short protein forms S24L.
Identifiers: ClinVar variation 572772 (VCV000572772.9), dbSNP rs1567878087, ClinGen allele CA400485943.

ClinVar aggregate classification (germline): Uncertain significance. Review status: criteria provided, multiple submitters, no conflicts (2 of 4 stars). 2 submissions from 2 submitters: Uncertain significance (2). Last evaluated 2025-05-05.

Conditions:
Hereditary cancer-predisposing syndrome. Also called: Hereditary neoplastic syndrome; Neoplastic Syndromes, Hereditary; Hereditary Cancer Syndrome; Tumor predisposition. Identifiers: Orphanet 140162, MedGen C0027672, MeSH D009386, MONDO:0015356.
Fanconi anemia complementation group J. Also called: BRIP1-Related Fanconi Anemia. Identifiers: Orphanet 84, MedGen C1836860, MONDO:0012187, OMIM 609054.
Familial cancer of breast. Also called: BREAST CANCER, FAMILIAL; hereditary breast carcinoma; Hereditary breast cancer. Identifiers: Orphanet 227535, MedGen C0346153, MONDO:0016419, OMIM 114480. Disease mechanism: loss of function.

Allele frequency attached by ClinVar (database versions not stated): gnomAD exomes below 0.00001.
gnomAD v4.1: 1 of 1,612,574 alleles (0.000062%); highest among the groups gnomAD compares: South Asian, 0.0011%; no homozygotes.

Submissions (2):

Labcorp Genetics (formerly Invitae), Labcorp
Classification: Uncertain significance for Familial cancer of breast; Fanconi anemia complementation group J. Last evaluated: 2025-05-05. Review status: criteria provided, single submitter. Criteria: Invitae Variant Classification Sherloc (09022015). Collection method: clinical testing. Allele origin: germline.
Comment: This sequence change replaces serine, which is neutral and polar, with leucine, which is neutral and non-polar, at codon 24 of the BRIP1 protein (p.Ser24Leu). This variant is not present in population databases (gnomAD no frequency). This variant has not been reported in the literature in individuals affected with BRIP1-related conditions. ClinVar contains an entry for this variant (Variation ID: 572772). Invitae Evidence Modeling of protein sequence and biophysical properties (such as structural, functional, and spatial information, amino acid conservation, physicochemical variation, residue mobility, and thermodynamic stability) has been performed for this missense variant. However, the output from this modeling did not meet the statistical confidence thresholds required to predict the impact of this variant on BRIP1 protein function. RNA analysis performed to evaluate the impact of this missense change on mRNA splicing indicates it does not significantly alter splicing (internal data). In summary, the available evidence is currently insufficient to determine the role of this variant in disease. Therefore, it has been classified as a Variant of Uncertain Significance.

Ambry Genetics
Classification: Uncertain significance for Hereditary cancer-predisposing syndrome. Last evaluated: 2023-05-20. Review status: criteria provided, single submitter. Criteria: Ambry Variant Classification Scheme 2023. Collection method: clinical testing. Allele origin: germline.
Comment: The p.S24L variant (also known as c.71C>T), located in coding exon 1 of the BRIP1 gene, results from a C to T substitution at nucleotide position 71. The serine at codon 24 is replaced by leucine, an amino acid with dissimilar properties. This amino acid position is well conserved in available vertebrate species. In addition, the in silico prediction for this alteration is inconclusive. Since supporting evidence is limited at this time, the clinical significance of this alteration remains unclear.